The following is an entry in ClinVar:

NM_022552.5(DNMT3A):c.1911_1914dup (p.Leu639fs)

Gene: DNMT3A (DNA methyltransferase 3 alpha; minus strand). Cytogenetic location: 2p23.3.
Variant type: Duplication.
Coding change: c.1911_1914dup on transcript NM_022552.5 (MANE Select); coding-DNA positions 1911 to 1914, 4 bases duplicated (GTCT; older notation c.1911_1914dupGTCT).
Protein change: p.Leu639fs; shifts the reading frame from leucine 639.
Molecular consequence: frameshift variant. On other transcripts: non-coding transcript variant (1).
Genome position (GRCh38, 1-based): chr2:25,243,920-25,243,923, AGAC duplicated on the plus strand (GTCT on the coding strand, the reverse complement: DNMT3A is on the minus strand); duplicating any 4 consecutive bases within chr2:25,243,920-25,243,925 gives the same sequence; the c. name uses the placement nearest the transcript's 3' end. VCF-style (leftmost placement, unchanged base first): chr2-25243919-G-GAGAC. GRCh37 (hg19) VCF-style: chr2-25466788-G-GAGAC.
Other names: c.1455_1458dup, p.Leu487fs (NM_001320893.1); c.1242_1245dup, p.Leu416fs (NM_001375819.1); c.1344_1347dup, p.Leu450fs (NM_153759.3); c.1911_1914dup, p.Leu639fs (NM_175629.2); short protein forms L450fs, L639fs, L416fs, L487fs.
Identifiers: ClinVar variation 4013955 (VCV004013955.1).
Genomic context (GRCh38, chr2:25,243,919, plus strand): 5'-GACAAGGCGGCCAGCACCTCTTGGGCCTGCACCCCTCACCTGTAGCGATTCCATCAAAGA[G>GAGAC]AGACAGCACCCGGATGGGCTTCCTCTTCTCAGCTGGGACAGGTGGGTAAACCTTTGGAGG-3'

ClinVar aggregate classification (germline): Pathogenic (1 of 4 stars; one submission).

Conditions:
Inborn genetic diseases. Identifiers: MedGen C0950123, MeSH D030342.

Submission:

Ambry Genetics
Classification: Pathogenic for Inborn genetic diseases. Last evaluated: 2025-03-17. Review status: criteria provided, single submitter. Criteria: Ambry Variant Classification Scheme 2023. Collection method: clinical testing. Allele origin: germline.
Comment: The c.1911_1914dupGTCT (p.L639Vfs*4) alteration, located in exon 16 (coding exon 15) of the DNMT3A gene, consists of a duplication of GTCT at position 1911, causing a translational frameshift with a predicted alternate stop codon after 4 amino acids. This alteration is expected to result in loss of function by premature protein truncation or nonsense-mediated mRNA decay. for Tatton-Brown-Rahman syndrome; however, its clinical significance for Heyn-Sproul-Jackson syndrome is uncertain. This variant was not reported in population-based cohorts in the Genome Aggregation Database (gnomAD). Based on the available evidence, this alteration is classified as pathogenic.